The following is an entry in ClinVar:

NM_001170700.3(DTHD1):c.1300A>C (p.Thr434Pro)

Gene: DTHD1 (death domain containing 1; plus strand). Cytogenetic location: 4p14.
Variant type: single nucleotide variant.
Coding change: c.1300A>C on transcript NM_001170700.3 (MANE Select); coding-DNA position 1300, A replaced by C.
Protein change: p.Thr434Pro; replaces threonine 434 with proline.
Molecular consequence: missense variant. On other transcripts: non-coding transcript variant (2).
Genome position (GRCh38, 1-based): chr4:36,293,607, A>C. VCF-style: chr4-36293607-A-C. GRCh37 (hg19) VCF-style: chr4-36295229-A-C.
Other names: c.430A>C, p.Thr144Pro (NM_001136536.5); c.367A>C, p.Thr123Pro (NM_001378435.1); short protein forms T123P, T144P, T434P.
Identifiers: ClinVar variation 1438482 (VCV001438482.8), dbSNP rs2109461244, ClinGen allele CA356679498.
Genomic context (GRCh38, chr4:36,293,607, plus strand): 5'-GTTTACAAATTGGGTATCTTTTCTGTTGTGTCTTGTTTAAAGAAAGAGTCGTTCACAGTA[A>C]CAAAGAAAGGCCTCGCTCTTAAGTCAAGCATGGATTCCCGAATATCCTTAAATTACCCTC-3'
Protein context (NP_001164171.2, residues 424-444): SCLKKESFTV[Thr434Pro]KKGLALKSSM

ClinVar aggregate classification (germline): Uncertain significance (1 of 4 stars; one submission).

Allele frequency attached by ClinVar (database versions not stated): gnomAD exomes below 0.00001.
gnomAD v4.1: 2 of 1,549,818 alleles (0.00013%); highest among the groups gnomAD compares: African/African-American, 0.0014%; no homozygotes.

Submission:

Labcorp Genetics (formerly Invitae), Labcorp
Classification: Uncertain significance. Last evaluated: 2023-10-09. Review status: criteria provided, single submitter. Criteria: Invitae Variant Classification Sherloc (09022015). Collection method: clinical testing. Allele origin: germline.
Comment: This sequence change replaces threonine, which is neutral and polar, with proline, which is neutral and non-polar, at codon 144 of the DTHD1 protein (p.Thr144Pro). This variant is not present in population databases (gnomAD no frequency). This variant has not been reported in the literature in individuals affected with DTHD1-related conditions. ClinVar contains an entry for this variant (Variation ID: 1438482). Algorithms developed to predict the effect of missense changes on protein structure and function output the following: SIFT: "Not Available"; PolyPhen-2: "Benign"; Align-GVGD: "Not Available". The proline amino acid residue is found in multiple mammalian species, which suggests that this missense change does not adversely affect protein function. In summary, the available evidence is currently insufficient to determine the role of this variant in disease. Therefore, it has been classified as a Variant of Uncertain Significance.